The following is an entry in ClinVar:

NM_002778.4(PSAP):c.727A>G (p.Asn243Asp)

Gene: PSAP (prosaposin; minus strand). Cytogenetic location: 10q22.1.
Variant type: single nucleotide variant.
Coding change: c.727A>G on transcript NM_002778.4 (MANE Select); coding-DNA position 727, A replaced by G.
Protein change: p.Asn243Asp; replaces asparagine 243 with aspartic acid.
Molecular consequence: missense variant.
Genome position (GRCh38, 1-based): chr10:71,825,887, T>C on the plus strand (A>G on the coding strand, the complement: PSAP is on the minus strand). VCF-style: chr10-71825887-T-C. GRCh37 (hg19) VCF-style: chr10-73585644-T-C.
Other names: c.727A>G, p.Asn243Asp (NM_001042465.3, NM_001042466.3); short protein forms N243D.
Identifiers: ClinVar variation 1372297 (VCV001372297.3), dbSNP rs747236402, ClinGen allele CA209463837.

ClinVar aggregate classification (germline): Uncertain significance (1 of 4 stars; one submission).

Conditions:
Sphingolipid activator protein 1 deficiency. Also called: Metachromatic leukodystrophy due to saposin B deficiency; Saposin B Deficiency; METACHROMATIC LEUKODYSTROPHY DUE TO CEREBROSIDE SULFATASE ACTIVATOR DEFICIENCY. Identifiers: Orphanet 512, MedGen C0268262, MONDO:0009590, OMIM 249900.

Allele frequency attached by ClinVar (database versions not stated): gnomAD exomes 0.00001.
gnomAD v4.1: 9 of 1,613,418 alleles (0.00056%); highest among the groups gnomAD compares: Non-Finnish European, 0.00076%; no homozygotes.

Submission:

Labcorp Genetics (formerly Invitae), Labcorp
Classification: Uncertain significance for Sphingolipid activator protein 1 deficiency. Last evaluated: 2022-07-18. Review status: criteria provided, single submitter. Criteria: Invitae Variant Classification Sherloc (09022015). Collection method: clinical testing. Allele origin: germline.
Comment: This sequence change replaces asparagine, which is neutral and polar, with aspartic acid, which is acidic and polar, at codon 243 of the PSAP protein (p.Asn243Asp). This variant is not present in population databases (gnomAD no frequency). This variant has not been reported in the literature in individuals affected with PSAP-related conditions. ClinVar contains an entry for this variant (Variation ID: 1372297). Algorithms developed to predict the effect of missense changes on protein structure and function are either unavailable or do not agree on the potential impact of this missense change (SIFT: "Not Available"; PolyPhen-2: "Benign"; Align-GVGD: "Not Available"). In summary, the available evidence is currently insufficient to determine the role of this variant in disease. Therefore, it has been classified as a Variant of Uncertain Significance.